The following is an entry in ClinVar:

NM_000038.6(APC):c.2835G>C (p.Arg945Ser)

Gene: APC (APC regulator of Wnt signaling pathway; plus strand). Cytogenetic location: 5q22.2.
Variant type: single nucleotide variant.
Coding change: c.2835G>C on transcript NM_000038.6 (MANE Select); coding-DNA position 2835, G replaced by C.
Protein change: p.Arg945Ser; replaces arginine 945 with serine.
Molecular consequence: missense variant. On other transcripts: non-coding transcript variant (2).
Genome position (GRCh38, 1-based): chr5:112,838,429, G>C. VCF-style: chr5-112838429-G-C. GRCh37 (hg19) VCF-style: chr5-112174126-G-C.
Other names: c.2835G>C, p.Arg945Ser (NM_001127510.3, NM_001354895.2, NM_001407450.1); c.2781G>C, p.Arg927Ser (NM_001127511.3); c.2889G>C, p.Arg963Ser (NM_001354896.2, NM_001407447.1, NM_001407448.1 and 1 more transcripts); c.2865G>C, p.Arg955Ser (NM_001354897.2); c.2760G>C, p.Arg920Ser (NM_001354898.2); c.2751G>C, p.Arg917Ser (NM_001354899.2); c.2712G>C, p.Arg904Ser (NM_001354900.2); c.2658G>C, p.Arg886Ser (NM_001354901.2, NM_001407453.1); and 12 more; short protein forms R904S, R917S, R938S, R561S, R662S, R854S, R862S, R927S.
Identifiers: ClinVar variation 2846126 (VCV002846126.4), dbSNP rs747840298, ClinGen allele CA16027514.

ClinVar aggregate classification (germline): Uncertain significance. Review status: criteria provided, multiple submitters, no conflicts (2 of 4 stars). 2 submissions from 2 submitters: Uncertain significance (2). Last evaluated 2026-06-10.

Conditions:
Hereditary cancer-predisposing syndrome. Also called: Hereditary neoplastic syndrome; Neoplastic Syndromes, Hereditary; Tumor predisposition; Hereditary Cancer Syndrome. Identifiers: Orphanet 140162, MedGen C0027672, MeSH D009386, MONDO:0015356.
Familial adenomatous polyposis 1 (FAP1). Also called: POLYPOSIS, ADENOMATOUS INTESTINAL; FAMILIAL ADENOMATOUS POLYPOSIS 1, ATTENUATED. Identifiers: MedGen C2713442, MONDO:0021056, OMIM 175100. Disease mechanism: loss of function.

Submissions (2):

Ambry Genetics
Classification: Uncertain significance for Hereditary cancer-predisposing syndrome. Last evaluated: 2026-06-10. Review status: criteria provided, single submitter. Criteria: Ambry Variant Classification Scheme 2023. Collection method: clinical testing. Allele origin: germline.
Comment: The p.R945S variant (also known as c.2835G>C), located in coding exon 15 of the APC gene, results from a G to C substitution at nucleotide position 2835. The arginine at codon 945 is replaced by serine, an amino acid with dissimilar properties. This amino acid position is conserved. In addition, in silico predictors for this gene do not accurately predict pathogenicity. Based on the available evidence, the clinical significance of this variant remains unclear.

Labcorp Genetics (formerly Invitae), Labcorp
Classification: Uncertain significance for Familial adenomatous polyposis 1. Last evaluated: 2023-03-16. Review status: criteria provided, single submitter. Criteria: Invitae Variant Classification Sherloc (09022015). Collection method: clinical testing. Allele origin: germline.
Comment: In summary, the available evidence is currently insufficient to determine the role of this variant in disease. Therefore, it has been classified as a Variant of Uncertain Significance. Advanced modeling of protein sequence and biophysical properties (such as structural, functional, and spatial information, amino acid conservation, physicochemical variation, residue mobility, and thermodynamic stability) performed at Invitae indicates that this missense variant is not expected to disrupt APC protein function. This variant has not been reported in the literature in individuals affected with APC-related conditions. This variant is not present in population databases (gnomAD no frequency). This sequence change replaces arginine, which is basic and polar, with serine, which is neutral and polar, at codon 945 of the APC protein (p.Arg945Ser).